The following is an entry in ClinVar:

NM_015338.6(ASXL1):c.733A>C (p.Asn245His)

Gene: ASXL1 (ASXL transcriptional regulator 1; plus strand). Cytogenetic location: 20q11.21.
Variant type: single nucleotide variant.
Coding change: c.733A>C on transcript NM_015338.6 (MANE Select); coding-DNA position 733, A replaced by C.
Protein change: p.Asn245His; replaces asparagine 245 with histidine.
Molecular consequence: missense variant.
Genome position (GRCh38, 1-based): chr20:32,431,335, A>C. VCF-style: chr20-32431335-A-C. GRCh37 (hg19) VCF-style: chr20-31019138-A-C.
Other names: c.550A>C, p.Asn184His (NM_001363734.1); short protein forms N184H, N245H.
Identifiers: ClinVar variation 1706094 (VCV001706094.4), dbSNP rs2011506329, ClinGen allele CA408553402.
Genomic context (GRCh38, chr20:32,431,335, plus strand): 5'-TTTCTTTTAAAAAGCTGAAATCTATACCTTGCTTCAAAAATCATAGGTCAAATGAAGCGC[A>C]ACAGAGGGGAAGAAATAGATTTTGAGACACCTGGGTCCATTCTTGTCAACACCAACCTCC-3'
Protein context (NP_056153.2, residues 235-255): RKPATGQMKR[Asn245His]RGEEIDFETP

ClinVar aggregate classification (germline): Uncertain significance. Review status: criteria provided, multiple submitters, no conflicts (2 of 4 stars). 2 submissions from 2 submitters: Uncertain significance (2). Last evaluated 2024-12-01.

Conditions:
Inborn genetic diseases. Identifiers: MedGen C0950123, MeSH D030342.

Allele frequency attached by ClinVar (database versions not stated): gnomAD exomes below 0.00001; TOPMed 0.00001.
gnomAD v4.1: 5 of 1,614,196 alleles (0.00031%); highest among the groups gnomAD compares: Non-Finnish European, 0.00042%; no homozygotes.

Submissions (2):

Ambry Genetics
Classification: Uncertain significance for Inborn genetic diseases. Last evaluated: 2024-12-01. Review status: criteria provided, single submitter. Criteria: Ambry Variant Classification Scheme 2023. Collection method: clinical testing. Allele origin: germline.
Comment: The p.N245H variant (also known as c.733A>C), located in coding exon 9 of the ASXL1 gene, results from an A to C substitution at nucleotide position 733. The asparagine at codon 245 is replaced by histidine, an amino acid with similar properties. This amino acid position is conserved. In addition, this alteration is predicted to be tolerated by in silico analysis. Based on the available evidence, the clinical significance of this variant remains unclear.

GeneDx
Classification: Uncertain significance. Last evaluated: 2024-04-03. Review status: criteria provided, single submitter. Criteria: GeneDx Variant Classification Process June 2021. Collection method: clinical testing. Allele origin: germline.
Comment: Not observed at significant frequency in large population cohorts (gnomAD); In silico analysis supports that this missense variant has a deleterious effect on protein structure/function; Has not been previously published as pathogenic or benign to our knowledge